The following is an entry in ClinVar:

NM_001271.4(CHD2):c.2847G>A (p.Thr949=)

Gene: CHD2 (chromodomain helicase DNA binding protein 2; plus strand). Cytogenetic location: 15q26.1.
Variant type: single nucleotide variant.
Coding change: c.2847G>A on transcript NM_001271.4 (MANE Select); coding-DNA position 2847, G replaced by A.
Protein change: p.Thr949=; no amino-acid change (threonine 949 retained).
Molecular consequence: synonymous variant.
Genome position (GRCh38, 1-based): chr15:92,979,254, G>A. VCF-style: chr15-92979254-G-A. GRCh37 (hg19) VCF-style: chr15-93522484-G-A.
Identifiers: ClinVar variation 541370 (VCV000541370.18), dbSNP rs756812749, ClinGen allele CA7748076.

ClinVar aggregate classification (germline): Likely benign. Review status: criteria provided, multiple submitters, no conflicts (2 of 4 stars). 2 submissions from 2 submitters: Likely benign (2). Last evaluated 2026-06-01.

Conditions:
Developmental and epileptic encephalopathy 94 (DEE94). Also called: Epileptic encephalopathy, childhood-onset; CHD2-Related Neurodevelopmental Disorders. Identifiers: Orphanet 1942, Orphanet 2382, MedGen C3809278, MONDO:0014150, OMIM 615369.

Allele frequency attached by ClinVar (database versions not stated): gnomAD below 0.00001 and 0.00001; TOPMed 0.00002; ExAC 0.00011; gnomAD exomes 0.00012.
gnomAD v4.1: 89 of 1,613,872 alleles (0.0055%); highest among the groups gnomAD compares: South Asian, 0.09%; no homozygotes.

Submissions (2):

CeGaT Center for Human Genetics Tuebingen
Classification: Likely benign. Last evaluated: 2026-06-01. Review status: criteria provided, single submitter. Criteria: CeGaT Center For Human Genetics Tuebingen Variant Classification Criteria Version 2. Collection method: clinical testing. Allele origin: germline. Affected: yes. Observed: 2 variant alleles.
Comment: CHD2: BP4, BP7

Labcorp Genetics (formerly Invitae), Labcorp
Classification: Likely benign for Developmental and epileptic encephalopathy 94. Last evaluated: 2025-10-01. Review status: criteria provided, single submitter. Criteria: Invitae Variant Classification Sherloc (09022015). Collection method: clinical testing. Allele origin: germline.